The following is an entry in ClinVar:

NM_001105206.3(LAMA4):c.680G>A (p.Gly227Asp)

Gene: LAMA4 (laminin subunit alpha 4; minus strand). Cytogenetic location: 6q21.
Variant type: single nucleotide variant.
Coding change: c.680G>A on transcript NM_001105206.3 (MANE Select); coding-DNA position 680, G replaced by A.
Protein change: p.Gly227Asp; replaces glycine 227 with aspartic acid.
Molecular consequence: missense variant.
Genome position (GRCh38, 1-based): chr6:112,191,674, C>T on the plus strand (G>A on the coding strand, the complement: LAMA4 is on the minus strand). VCF-style: chr6-112191674-C-T. GRCh37 (hg19) VCF-style: chr6-112512876-C-T.
Other names: c.680G>A, p.Gly227Asp (NM_001105207.3, NM_002290.5); short protein forms G227D.
Identifiers: ClinVar variation 4045951 (VCV004045951.1).

ClinVar aggregate classification (germline): Uncertain significance (1 of 4 stars; one submission).

Conditions:
Cardiovascular phenotype. Identifiers: MedGen CN230736.

Submission:

Ambry Genetics
Classification: Uncertain significance for Cardiovascular phenotype. Last evaluated: 2025-05-06. Review status: criteria provided, single submitter. Criteria: Ambry Variant Classification Scheme 2023. Collection method: clinical testing. Allele origin: germline.
Comment: The p.G227D variant (also known as c.680G>A), located in coding exon 5 of the LAMA4 gene, results from a G to A substitution at nucleotide position 680. The glycine at codon 227 is replaced by aspartic acid, an amino acid with similar properties. This amino acid position is conserved. In addition, this alteration is predicted to be deleterious by in silico analysis. Based on the available evidence, the clinical significance of this variant remains unclear.